The following is an entry in ClinVar:

NM_000548.5(TSC2):c.4408C>T (p.Arg1470Cys)

Gene: TSC2 (TSC complex subunit 2; plus strand). Cytogenetic location: 16p13.3.
Variant type: single nucleotide variant.
Coding change: c.4408C>T on transcript NM_000548.5 (MANE Select); coding-DNA position 4408, C replaced by T.
Protein change: p.Arg1470Cys; replaces arginine 1470 with cysteine.
Molecular consequence: missense variant.
Genome position (GRCh38, 1-based): chr16:2,084,630, C>T. VCF-style: chr16-2084630-C-T. GRCh37 (hg19) VCF-style: chr16-2134631-C-T.
Other names: c.4207C>T, p.Arg1403Cys (NM_001077183.3); c.4339C>T, p.Arg1447Cys (NM_001114382.3); c.4099C>T, p.Arg1367Cys (NM_001318827.2); c.4063C>T, p.Arg1355Cys (NM_001318829.2); c.3676C>T, p.Arg1226Cys (NM_001318831.2); c.4240C>T, p.Arg1414Cys (NM_001318832.2); c.4210C>T, p.Arg1404Cys (NM_001363528.2); c.4276C>T, p.Arg1426Cys (NM_001370404.1); and 1 more; short protein forms R1470C, R1355C, R1403C, R1404C, R1367C, R1414C, R1426C, R1226C.
Identifiers: ClinVar variation 406108 (VCV000406108.26), dbSNP rs767889030, ClinGen allele CA051067.

ClinVar aggregate classification (germline): Conflicting classifications of pathogenicity. Review status: criteria provided, conflicting classifications (1 of 4 stars). 9 submissions from 9 submitters: Uncertain significance (3); Likely benign (4). 2 of the submissions do not count toward it. Last evaluated 2026-07-01.

Conditions:
Tuberous sclerosis syndrome (TSC). Also called: Tuberous Sclerosis Complex; Tuberous sclerosis. Identifiers: Orphanet 805, MedGen C0041341, MONDO:0001734.
Tuberous sclerosis 2 (TSC2). Identifiers: Orphanet 805, MedGen C1860707, MONDO:0013199, OMIM 613254.
Hereditary cancer-predisposing syndrome. Also called: Hereditary neoplastic syndrome; Neoplastic Syndromes, Hereditary; Hereditary Cancer Syndrome; Tumor predisposition. Identifiers: Orphanet 140162, MedGen C0027672, MeSH D009386, MONDO:0015356.

Allele frequency attached by ClinVar (database versions not stated): gnomAD 0.00001 and 0.00002; gnomAD exomes 0.00002 and 0.00004; TOPMed 0.00002; ExAC 0.00003.

Submissions (9):

CeGaT Center for Human Genetics Tuebingen
Classification: Uncertain significance. Last evaluated: 2026-07-01. Review status: criteria provided, single submitter. Criteria: CeGaT Center For Human Genetics Tuebingen Variant Classification Criteria Version 2. Collection method: clinical testing. Allele origin: germline. Affected: yes. Observed: 1 variant allele.

Labcorp Genetics (formerly Invitae), Labcorp
Classification: Likely benign for Tuberous sclerosis 2. Last evaluated: 2026-01-31. Review status: criteria provided, single submitter. Criteria: Invitae Variant Classification Sherloc (09022015). Collection method: clinical testing. Allele origin: germline.

All of Us Research Program, National Institutes of Health
Classification: Uncertain significance for Tuberous sclerosis syndrome. Last evaluated: 2024-05-17. Review status: criteria provided, single submitter. Criteria: ACMG Guidelines, 2015. Collection method: clinical testing. Allele origin: germline. Inheritance: Autosomal dominant inheritance. Observed: 3 variant alleles, 3 heterozygotes.
Comment: This missense variant replaces arginine with cysteine at codon 1470 of the TSC2 protein. Computational prediction is inconclusive regarding the impact of this variant on protein structure and function (internally defined REVEL score threshold 0.5 < inconclusive < 0.7, PMID: 27666373). To our knowledge, functional studies have not been reported for this variant. This variant has not been reported in individuals affected with TSC2-related disorders in the literature. This variant has been identified in 10/238032 chromosomes in the general population by the Genome Aggregation Database (gnomAD). The available evidence is insufficient to determine the role of this variant in disease conclusively. Therefore, this variant is classified as a Variant of Uncertain Significance.

This study involves interpretation of variants in research participants for the purpose of population health screening. Participant phenotype was not available at the time of variant classification. Additional details can be found in publication PMID: 35346344, PMCID: PMC8962531

Color Diagnostics, LLC DBA Color Health
Classification: Uncertain significance for Tuberous sclerosis syndrome. Last evaluated: 2023-11-01. Review status: criteria provided, single submitter. Criteria: ACMG Guidelines, 2015. Collection method: clinical testing. Allele origin: germline.
Comment: This missense variant replaces arginine with cysteine at codon 1470 of the TSC2 protein. Computational prediction is inconclusive regarding the impact of this variant on protein structure and function. To our knowledge, functional studies have not been reported for this variant. This variant has not been reported in individuals affected with TSC2-related disorders in the literature. This variant has been identified in 10/238032 chromosomes in the general population by the Genome Aggregation Database (gnomAD). The available evidence is insufficient to determine the role of this variant in disease conclusively. Therefore, this variant is classified as a Variant of Uncertain Significance.

Blueprint Genetics
Classification: Likely benign. Last evaluated: 2022-08-01. Review status: criteria provided, single submitter. Criteria: ACMG Guidelines, 2015. Collection method: clinical testing. Allele origin: germline.

Genome-Nilou Lab
Classification: Likely benign for Tuberous sclerosis 2. Last evaluated: 2021-11-07. Review status: criteria provided, single submitter. Criteria: ACMG Guidelines, 2015. Collection method: clinical testing. Allele origin: germline. Affected: no.

Ambry Genetics
Classification: Likely benign for Hereditary cancer-predisposing syndrome. Last evaluated: 2021-02-19. Review status: criteria provided, single submitter. Criteria: Ambry Variant Classification Scheme 2023. Collection method: clinical testing. Allele origin: germline.

Diagnostic Laboratory, Department of Genetics, University Medical Center Groningen
Classification: Uncertain significance. Review status: no assertion criteria provided. Collection method: clinical testing. Allele origin: germline. Affected: yes. Study: VKGL Data-share Consensus. Not counted in ClinVar's aggregate classification.

Genome Diagnostics Laboratory, Amsterdam University Medical Center
Classification: Uncertain significance. Review status: no assertion criteria provided. Collection method: clinical testing. Allele origin: germline. Affected: yes. Study: VKGL Data-share Consensus. Not counted in ClinVar's aggregate classification.